The following is an entry in ClinVar:

NM_001164665.2(KIAA1549):c.988A>G (p.Ser330Gly)

Gene: KIAA1549 (KIAA1549; minus strand). Cytogenetic location: 7q34.
Variant type: single nucleotide variant.
Coding change: c.988A>G on transcript NM_001164665.2 (MANE Select); coding-DNA position 988, A replaced by G.
Protein change: p.Ser330Gly; replaces serine 330 with glycine.
Molecular consequence: missense variant.
Genome position (GRCh38, 1-based): chr7:138,918,638, T>C on the plus strand (A>G on the coding strand, the complement: KIAA1549 is on the minus strand). VCF-style: chr7-138918638-T-C. GRCh37 (hg19) VCF-style: chr7-138603384-T-C.
Other names: c.988A>G, p.Ser330Gly (NM_020910.3); short protein forms S330G.
Identifiers: ClinVar variation 1500099 (VCV001500099.8), dbSNP rs2130482244, ClinGen allele CA369400476.

ClinVar aggregate classification (germline): Uncertain significance (1 of 4 stars; one submission).

Allele frequency attached by ClinVar (database versions not stated): gnomAD exomes below 0.00001.
gnomAD v4.1: 1 of 1,613,844 alleles (0.000062%); highest among the groups gnomAD compares: Middle Eastern, 0.016%; no homozygotes.

Submission:

Labcorp Genetics (formerly Invitae), Labcorp
Classification: Uncertain significance. Last evaluated: 2021-06-29. Review status: criteria provided, single submitter. Criteria: Invitae Variant Classification Sherloc (09022015). Collection method: clinical testing. Allele origin: germline.
Comment: In summary, the available evidence is currently insufficient to determine the role of this variant in disease. Therefore, it has been classified as a Variant of Uncertain Significance. Algorithms developed to predict the effect of missense changes on protein structure and function output the following: SIFT: "Tolerated"; PolyPhen-2: "Benign"; Align-GVGD: "Class C0". The glycine amino acid residue is found in multiple mammalian species, which suggests that this missense change does not adversely affect protein function. This variant has not been reported in the literature in individuals affected with KIAA1549-related conditions. This variant is not present in population databases (ExAC no frequency). This sequence change replaces serine with glycine at codon 330 of the KIAA1549 protein (p.Ser330Gly). The serine residue is moderately conserved and there is a small physicochemical difference between serine and glycine.